The following is an entry in ClinVar:

ClinVar aggregate classification (germline): Uncertain significance (1 of 4 stars; one submission).

Conditions:
Cardiovascular phenotype. Identifiers: MedGen CN230736.

Allele frequency attached by ClinVar (database versions not stated): gnomAD exomes below 0.00001; gnomAD 0.00003.
gnomAD v4.1: 7 of 1,613,920 alleles (0.00043%); highest among the groups gnomAD compares: African/African-American, 0.0093%; no homozygotes.

Submission:

Ambry Genetics
Classification: Uncertain significance for Cardiovascular phenotype. Last evaluated: 2023-06-01. Review status: criteria provided, single submitter. Criteria: Ambry Variant Classification Scheme 2023. Collection method: clinical testing. Allele origin: germline.
Comment: The p.A2749V variant (also known as c.8246C>T), located in coding exon 38 of the ANK2 gene, results from a C to T substitution at nucleotide position 8246. The alanine at codon 2749 is replaced by valine, an amino acid with similar properties. This amino acid position is conserved. In addition, this alteration is predicted to be tolerated by in silico analysis. Since supporting evidence is limited at this time, the clinical significance of this alteration remains unclear.

NM_001148.6(ANK2):c.8246C>T (p.Ala2749Val)

Gene: ANK2 (ankyrin 2; plus strand). Cytogenetic location: 4q26.
Variant type: single nucleotide variant.
Coding change: c.8246C>T on transcript NM_001148.6 (MANE Select); coding-DNA position 8246, C replaced by T.
Protein change: p.Ala2749Val; replaces alanine 2749 with valine.
Molecular consequence: missense variant. On other transcripts: intron variant (68).
Genome position (GRCh38, 1-based): chr4:113,356,864, C>T. VCF-style: chr4-113356864-C-T. GRCh37 (hg19) VCF-style: chr4-114278020-C-T.
Other names: c.8012C>T, p.Ala2671Val (NM_001386142.1); c.4646C>T, p.Ala1549Val (NM_001386166.1); c.8387C>T, p.Ala2796Val (NM_001386174.1); c.8363C>T, p.Ala2788Val (NM_001386175.1); c.4412-3959C>T (NM_001386186.2, NM_001386148.2); c.4214-3959C>T (NM_001354269.3); c.4292-3959C>T (NM_001386187.2); c.4253-3959C>T (NM_001386147.1); and 35 more; short protein forms A2671V, A2796V, A2749V, A2788V, A1549V.
Identifiers: ClinVar variation 2231415 (VCV002231415.2), dbSNP rs898435226, ClinGen allele CA103815988.
Genomic context (GRCh38, chr4:113,356,864, plus strand): 5'-AGCCAGGCAAATCAGAAGAAGAAAAAGATTCTGAATCCCATTTAGCTGAAGACCGTCATG[C>T]TGTTTCCACTGAGGCTGAAGACAGGTCTTATGATAAGCTAAACAGAGACACTGATCAGCC-3'
Protein context (NP_001139.3, residues 2739-2759): SESHLAEDRH[Ala2749Val]VSTEAEDRSY